The following is an entry in ClinVar:

ClinVar aggregate classification (germline): Uncertain significance (1 of 4 stars; one submission).

gnomAD v4.1: 3 of 1,583,076 alleles (0.00019%); highest among the groups gnomAD compares: Non-Finnish European, 0.00026%; no homozygotes.

Submission:

Labcorp Genetics (formerly Invitae), Labcorp
Classification: Uncertain significance. Last evaluated: 2024-02-22. Review status: criteria provided, single submitter. Criteria: Invitae Variant Classification Sherloc (09022015). Collection method: clinical testing. Allele origin: germline.
Comment: This sequence change replaces asparagine, which is neutral and polar, with tyrosine, which is neutral and polar, at codon 305 of the LCT protein (p.Asn305Tyr). This variant is not present in population databases (gnomAD no frequency). This variant has not been reported in the literature in individuals affected with LCT-related conditions. An algorithm developed to predict the effect of missense changes on protein structure and function (PolyPhen-2) suggests that this variant is likely to be tolerated. In summary, the available evidence is currently insufficient to determine the role of this variant in disease. Therefore, it has been classified as a Variant of Uncertain Significance.

NM_002299.4(LCT):c.913A>T (p.Asn305Tyr)

Genes: LCT-AS1 (LCT antisense RNA 1; plus strand), LCT (lactase; minus strand). Cytogenetic location: 2q21.3.
Variant type: single nucleotide variant.
Coding change: c.913A>T on transcript NM_002299.4 (MANE Select); coding-DNA position 913, A replaced by T.
Protein change: p.Asn305Tyr; replaces asparagine 305 with tyrosine.
Molecular consequence: missense variant. On other transcripts: non-coding transcript variant (1).
Genome position (GRCh38, 1-based): chr2:135,822,093, T>A on the plus strand (A>T on the coding strand, the complement: LCT is on the minus strand). VCF-style: chr2-135822093-T-A. GRCh37 (hg19) VCF-style: chr2-136579663-T-A.
Other names: short protein forms N305Y.
Identifiers: ClinVar variation 2867970 (VCV002867970.3), dbSNP rs2467237667, ClinGen allele CA348608147.
Genomic context (GRCh38, chr2:135,822,093, plus strand): 5'-TTGATGAACAACTCAGAAACTCATTAATATCAAACCCAATGGTGAGCACTTGGTCTTTAT[T>A]TATGGCTGTAAGAGAAGAAATTGAATTAACTCTATGTAAATGCCAACTAAGAACATGCAA-3'
Protein context (NP_002290.2, residues 295-315): SLLFSLFEAI[Asn305Tyr]KDQVLTIGFD